The following is an entry in ClinVar:

NM_001853.4(COL9A3):c.1408A>G (p.Ser470Gly)

Genes: COL9A3 (collagen type IX alpha 3 chain; plus strand), LOC126863084 (MED14-independent group 3 enhancer GRCh37_chr20:61467141-61468340; plus strand). Cytogenetic location: 20q13.33.
Variant type: single nucleotide variant.
Coding change: c.1408A>G on transcript NM_001853.4 (MANE Select); coding-DNA position 1408, A replaced by G.
Protein change: p.Ser470Gly; replaces serine 470 with glycine.
Molecular consequence: missense variant.
Genome position (GRCh38, 1-based): chr20:62,836,193, A>G. VCF-style: chr20-62836193-A-G. GRCh37 (hg19) VCF-style: chr20-61467545-A-G.
Other names: short protein forms S470G.
Identifiers: ClinVar variation 739700 (VCV000739700.12), dbSNP rs201288335, ClinGen allele CA9949972.

ClinVar aggregate classification (germline): Conflicting classifications of pathogenicity. Review status: criteria provided, conflicting classifications (1 of 4 stars). 4 submissions from 4 submitters: Uncertain significance (1); Benign (1); Likely benign (1). 1 of the submissions does not count toward it. Last evaluated 2026-09-09.

Conditions:
COL9A3-related disorder. Also called: COL9A3-related condition.

Allele frequency attached by ClinVar (database versions not stated): gnomAD 0.00006 and 0.00007; TOPMed 0.00010; 1000 Genomes Project 30x 0.00016; gnomAD exomes 0.00017 and 0.00035; 1000 Genomes Project 0.00020; ExAC 0.00037.
gnomAD v4.1: 111 of 1,613,296 alleles (0.0069%); highest among the groups gnomAD compares: Admixed American, 0.18%; no homozygotes.

Submissions (4):

GeneDx
Classification: Uncertain significance. Last evaluated: 2026-09-09. Review status: criteria provided, single submitter. Criteria: GeneDx Variant Classification Process June 2021. Collection method: clinical testing. Allele origin: germline.
Comment: Has not been previously published as pathogenic or benign to our knowledge; In silico analysis suggests that this missense variant does not alter protein structure/function

Labcorp Genetics (formerly Invitae), Labcorp
Classification: Likely benign. Last evaluated: 2026-01-08. Review status: criteria provided, single submitter. Criteria: Invitae Variant Classification Sherloc (09022015). Collection method: clinical testing. Allele origin: germline.

Blueprint Genetics
Classification: Benign. Last evaluated: 2022-02-03. Review status: criteria provided, single submitter. Criteria: ACMG Guidelines, 2015. Collection method: clinical testing. Allele origin: germline.

PreventionGenetics, part of Exact Sciences
Classification: Likely benign for COL9A3-related condition. Last evaluated: 2021-10-06. Review status: no assertion criteria provided. Collection method: clinical testing. Allele origin: germline. Not counted in ClinVar's aggregate classification.
Comment: This variant is classified as likely benign based on ACMG/AMP sequence variant interpretation guidelines (Richards et al. 2015 PMID: 25741868, with internal and published modifications).